The following is an entry in ClinVar:

NM_003482.4(KMT2D):c.12291del (p.Pro4098fs)

Gene: KMT2D (lysine methyltransferase 2D; minus strand). Cytogenetic location: 12q13.12.
Variant type: Deletion.
Coding change: c.12291del on transcript NM_003482.4 (MANE Select); coding-DNA position 12291, one base deleted (T; older notation c.12291delT).
Protein change: p.Pro4098fs; shifts the reading frame from proline 4098.
Molecular consequence: frameshift variant.
Genome position (GRCh38, 1-based): chr12:49,032,414, A deleted on the plus strand (T on the coding strand, the reverse complement: KMT2D is on the minus strand); the first of 2 consecutive A bases (chr12:49,032,414-49,032,415); deleting either gives the same sequence. VCF-style (leftmost placement, unchanged base first): chr12-49032413-GA-G. GRCh37 (hg19) VCF-style: chr12-49426196-GA-G.
Other names: short protein forms P4098fs.
Identifiers: ClinVar variation 1687318 (VCV001687318.1), dbSNP rs2120431099, ClinGen allele CA2573148653.

ClinVar aggregate classification (germline): Likely pathogenic (1 of 4 stars; one submission).

Conditions:
Kabuki syndrome 1 (KABUK1). Also called: KMT2D-Related Kabuki Syndrome. Identifiers: Orphanet 2322, MedGen CN030661, MONDO:0007843, OMIM 147920.

Submission:

3billion
Classification: Likely pathogenic for Kabuki syndrome 1. Last evaluated: 2022-05-22. Review status: criteria provided, single submitter. Criteria: ACMG Guidelines, 2015. Collection method: clinical testing. Allele origin: germline. Affected: yes. Observed: 1 heterozygote.
Comment: The variant is not observed in the gnomAD v2.1.1 dataset. Frameshift: predicted to result in a loss or disruption of normal protein function through nonsense-mediated decay (NMD) or protein truncation. Multiple pathogenic variants are reported downstream of the variant. Therefore, this variant is classified as likely pathogenic according to the recommendation of ACMG/AMP guideline.